The following is an entry in ClinVar:

NM_145038.5(DRC1):c.1919G>A (p.Arg640Lys)

Gene: DRC1 (dynein regulatory complex subunit 1; plus strand). Cytogenetic location: 2p23.3.
Variant type: single nucleotide variant.
Coding change: c.1919G>A on transcript NM_145038.5 (MANE Select); coding-DNA position 1919, G replaced by A.
Protein change: p.Arg640Lys; replaces arginine 640 with lysine.
Molecular consequence: missense variant.
Genome position (GRCh38, 1-based): chr2:26,453,549, G>A. VCF-style: chr2-26453549-G-A. GRCh37 (hg19) VCF-style: chr2-26676417-G-A.
Other names: short protein forms R640K.
Identifiers: ClinVar variation 2132415 (VCV002132415.4), dbSNP rs1428226382, ClinGen allele CA346121070.

ClinVar aggregate classification (germline): Uncertain significance (1 of 4 stars; one submission).

Conditions:
Primary ciliary dyskinesia. Also called: Ciliary dyskinesia. Identifiers: Orphanet 244, MedGen C0008780, MONDO:0016575, HP:0012265.

Allele frequency attached by ClinVar (database versions not stated): gnomAD exomes below 0.00001.
gnomAD v4.1: 1 of 1,612,676 alleles (0.000062%); highest among the groups gnomAD compares: East Asian, 0.0022%; no homozygotes.

Submission:

Labcorp Genetics (formerly Invitae), Labcorp
Classification: Uncertain significance for Primary ciliary dyskinesia. Last evaluated: 2024-02-24. Review status: criteria provided, single submitter. Criteria: Invitae Variant Classification Sherloc (09022015). Collection method: clinical testing. Allele origin: germline.
Comment: This sequence change replaces arginine, which is basic and polar, with lysine, which is basic and polar, at codon 640 of the DRC1 protein (p.Arg640Lys). This variant also falls at the last nucleotide of exon 14, which is part of the consensus splice site for this exon. This variant is present in population databases (no rsID available, gnomAD 0.006%). This variant has not been reported in the literature in individuals affected with DRC1-related conditions. ClinVar contains an entry for this variant (Variation ID: 2132415). Algorithms developed to predict the effect of missense changes on protein structure and function output the following: SIFT: "Not Available"; PolyPhen-2: "Benign"; Align-GVGD: "Not Available". The lysine amino acid residue is found in multiple mammalian species, which suggests that this missense change does not adversely affect protein function. Variants that disrupt the consensus splice site are a relatively common cause of aberrant splicing (PMID: 17576681, 9536098). Algorithms developed to predict the effect of sequence changes on RNA splicing suggest that this variant may disrupt the consensus splice site. In summary, the available evidence is currently insufficient to determine the role of this variant in disease. Therefore, it has been classified as a Variant of Uncertain Significance.

Literature cited by the submitters: PubMed 17576681; PubMed 9536098.